The following is an entry in ClinVar:

ClinVar aggregate classification (germline): Uncertain significance (1 of 4 stars; one submission).

Conditions:
Cardiovascular phenotype. Identifiers: MedGen CN230736.

Submission:

Ambry Genetics
Classification: Uncertain significance for Cardiovascular phenotype. Last evaluated: 2024-11-17. Review status: criteria provided, single submitter. Criteria: Ambry Variant Classification Scheme 2023. Collection method: clinical testing. Allele origin: germline.
Comment: The p.G1189A variant (also known as c.3566G>C), located in coding exon 8 of the HCN4 gene, results from a G to C substitution at nucleotide position 3566. The glycine at codon 1189 is replaced by alanine, an amino acid with similar properties. This amino acid position is conserved. In addition, this alteration is predicted to be tolerated by in silico analysis. Based on the available evidence, the clinical significance of this variant remains unclear.

NM_005477.3(HCN4):c.3566G>C (p.Gly1189Ala)

Gene: HCN4 (hyperpolarization activated cyclic nucleotide gated potassium channel 4; minus strand). Cytogenetic location: 15q24.1.
Variant type: single nucleotide variant.
Coding change: c.3566G>C on transcript NM_005477.3 (MANE Select); coding-DNA position 3566, G replaced by C.
Protein change: p.Gly1189Ala; replaces glycine 1189 with alanine.
Molecular consequence: missense variant.
Genome position (GRCh38, 1-based): chr15:73,322,527, C>G on the plus strand (G>C on the coding strand, the complement: HCN4 is on the minus strand). VCF-style: chr15-73322527-C-G. GRCh37 (hg19) VCF-style: chr15-73614868-C-G.
Other names: short protein forms G1189A.
Identifiers: ClinVar variation 3524365 (VCV003524365.1).